The following is an entry in ClinVar:

NM_000701.8(ATP1A1):c.636+4G>A

Gene: ATP1A1 (ATPase Na+/K+ transporting subunit alpha 1; plus strand). Cytogenetic location: 1p13.1.
Variant type: single nucleotide variant.
Coding change: c.636+4G>A on transcript NM_000701.8 (MANE Select); 4 bases into the intron after coding-DNA position 636, G replaced by A.
Molecular consequence: intron variant.
Genome position (GRCh38, 1-based): chr1:116,388,776, G>A. VCF-style: chr1-116388776-G-A. GRCh37 (hg19) VCF-style: chr1-116931398-G-A.
Other names: c.636+4G>A (NM_001160233.2); c.543+4G>A (NM_001160234.2).
Identifiers: ClinVar variation 2853115 (VCV002853115.3), dbSNP rs2525830267, ClinGen allele CA2739275195.

ClinVar aggregate classification (germline): Uncertain significance (1 of 4 stars; one submission).

Submission:

Labcorp Genetics (formerly Invitae), Labcorp
Classification: Uncertain significance. Last evaluated: 2023-04-07. Review status: criteria provided, single submitter. Criteria: Invitae Variant Classification Sherloc (09022015). Collection method: clinical testing. Allele origin: germline.
Comment: In summary, the available evidence is currently insufficient to determine the role of this variant in disease. Therefore, it has been classified as a Variant of Uncertain Significance. Variants that disrupt the consensus splice site are a relatively common cause of aberrant splicing (PMID: 17576681, 9536098). Algorithms developed to predict the effect of sequence changes on RNA splicing suggest that this variant is not likely to affect RNA splicing. This variant has not been reported in the literature in individuals affected with ATP1A1-related conditions. This variant is not present in population databases (gnomAD no frequency). This sequence change falls in intron 6 of the ATP1A1 gene. It does not directly change the encoded amino acid sequence of the ATP1A1 protein. It affects a nucleotide within the consensus splice site.

Literature cited by the submitters: PubMed 17576681; PubMed 9536098.